The following is an entry in ClinVar:

ClinVar aggregate classification (germline): Uncertain significance. Review status: criteria provided, multiple submitters, no conflicts (2 of 4 stars). 2 submissions from 2 submitters: Uncertain significance (2). Last evaluated 2025-12-10.

Conditions:
Thyroid dyshormonogenesis 6 (TDH6). Also called: HYPOTHYROIDISM, CONGENITAL, DUE TO DYSHORMONOGENESIS, 6; THYROID HORMONOGENESIS, GENETIC DEFECT IN, 6; Genetic transient congenital hypothyroidism. Identifiers: Orphanet 226316, Orphanet 95716, MedGen C1846632, MONDO:0011792, OMIM 607200.

Allele frequency attached by ClinVar (database versions not stated): ExAC 0.00001; TOPMed 0.00002.
gnomAD v4.1: 18 of 1,613,942 alleles (0.0011%); highest among the groups gnomAD compares: Non-Finnish European, 0.0012%; no homozygotes.

Submissions (2):

Labcorp Genetics (formerly Invitae), Labcorp
Classification: Uncertain significance. Last evaluated: 2025-12-10. Review status: criteria provided, single submitter. Criteria: Invitae Variant Classification Sherloc (09022015). Collection method: clinical testing. Allele origin: germline.
Comment: This sequence change replaces arginine, which is basic and polar, with cysteine, which is neutral and slightly polar, at codon 1485 of the DUOX2 protein (p.Arg1485Cys). The frequency data for this variant in the population databases is considered unreliable, as metrics indicate poor data quality at this position in the gnomAD database. This missense change has been observed in individual(s) with inflammatory bowel disease (PMID: 33651715). ClinVar contains an entry for this variant (Variation ID: 3018748). An algorithm developed to predict the effect of missense changes on protein structure and function (PolyPhen-2) suggests that this variant is likely to be disruptive. In summary, the available evidence is currently insufficient to determine the role of this variant in disease. Therefore, it has been classified as a Variant of Uncertain Significance.

Genesolutions, Medical Genetics Institutes, Ho Chi Minh City, Vietnam
Classification: Uncertain significance for Thyroid dyshormonogenesis 6. Last evaluated: 2025-09-24. Review status: criteria provided, single submitter. Criteria: ACMG Guidelines, 2015. Collection method: clinical testing. Allele origin: germline. Affected: yes.

Literature cited by the submitters: PubMed 33651715 (cited by Labcorp Genetics (formerly Invitae), Labcorp).

NM_001363711.2(DUOX2):c.4453C>T (p.Arg1485Cys)

Gene: DUOX2 (dual oxidase 2; minus strand). Cytogenetic location: 15q21.1.
Variant type: single nucleotide variant.
Coding change: c.4453C>T on transcript NM_001363711.2 (MANE Select); coding-DNA position 4453, C replaced by T.
Protein change: p.Arg1485Cys; replaces arginine 1485 with cysteine.
Molecular consequence: missense variant.
Genome position (GRCh38, 1-based): chr15:45,094,634, G>A on the plus strand (C>T on the coding strand, the complement: DUOX2 is on the minus strand). VCF-style: chr15-45094634-G-A. GRCh37 (hg19) VCF-style: chr15-45386832-G-A.
Other names: c.4453C>T, p.Arg1485Cys (NM_014080.5); short protein forms R1485C.
Identifiers: ClinVar variation 3018748 (VCV003018748.4), dbSNP rs368004695, ClinGen allele CA7537506.